The following is an entry in ClinVar:

NM_003888.4(ALDH1A2):c.672C>A (p.Ala224=)

Gene: ALDH1A2 (aldehyde dehydrogenase 1 family member A2; minus strand). Cytogenetic location: 15q21.3.
Variant type: single nucleotide variant.
Coding change: c.672C>A on transcript NM_003888.4 (MANE Select); coding-DNA position 672, C replaced by A.
Protein change: p.Ala224=; no amino-acid change (alanine 224 retained).
Molecular consequence: synonymous variant.
Genome position (GRCh38, 1-based): chr15:57,992,957, G>T on the plus strand (C>A on the coding strand, the complement: ALDH1A2 is on the minus strand). VCF-style: chr15-57992957-G-T. GRCh37 (hg19) VCF-style: chr15-58285155-G-T.
Other names: c.609C>A, p.Ala203= (NM_001206897.2); c.672C>A, p.Ala224= (NM_170696.3); c.384C>A, p.Ala128= (NM_170697.3).
Identifiers: ClinVar variation 3904913 (VCV003904913.11).
Genomic context (GRCh38, chr15:57,992,957, plus strand): 5'-CCAGCTGTAAGGGGAGTCAGAAGCACTCCCGAAGTCCGTTTCTCTTACCTCCTTGATGAG[G>T]GCTCCCATGTAGAGTGCACTGAGTGGTGTTTGCTCTGCTGGCTTAATAACTACTGTATTG-3'
Protein context (NP_003879.2, residues 214-234): QTPLSALYMG[Ala224=]LIKEAGFPPG

ClinVar aggregate classification (germline): Likely benign. Review status: criteria provided, multiple submitters, no conflicts (2 of 4 stars). 2 submissions from 2 submitters: Likely benign (2). Last evaluated 2025-06-01.

gnomAD v4.1: 367 of 1,614,032 alleles (0.023%); highest among the groups gnomAD compares: South Asian, 0.31%; 12 homozygotes.

Submissions (2):

CeGaT Center for Human Genetics Tuebingen
Classification: Likely benign. Last evaluated: 2025-06-01. Review status: criteria provided, single submitter. Criteria: CeGaT Center For Human Genetics Tuebingen Variant Classification Criteria Version 2. Collection method: clinical testing. Allele origin: germline. Affected: yes. Observed: 1 variant allele.
Comment: ALDH1A2: BP4, BP7

Blueprint Genetics
Classification: Likely benign. Last evaluated: 2024-09-24. Review status: criteria provided, single submitter. Criteria: ACMG Guidelines, 2015. Collection method: clinical testing. Allele origin: germline.